The following is an entry in ClinVar:

ClinVar aggregate classification (germline): Pathogenic. Review status: reviewed by expert panel (3 of 4 stars). 2 submissions from 2 submitters: Pathogenic (1). 1 of the submissions does not count toward it. Last evaluated 2016-10-18.

Conditions:
Hereditary breast ovarian cancer syndrome. Also called: Hereditary breast and ovarian cancer; Hereditary breast and ovarian cancer syndrome (HBOC); Hereditary breast and/or ovarian cancer syndrome; Breast and ovarian cancer; Hereditary breast and ovarian cancer syndrome; BRCA1- and BRCA2-Associated Hereditary Breast and Ovarian Cancer. Identifiers: Orphanet 145, MedGen C0677776, MeSH D061325, MONDO:0003582. Disease mechanism: loss of function.
Breast-ovarian cancer, familial, susceptibility to, 2 (BROVCA2). Also called: BRCA2 Hereditary Breast and Ovarian Cancer. Identifiers: Orphanet 145, MedGen C2675520, MONDO:0012933, OMIM 612555. Disease mechanism: loss of function.

Submissions (2):

Evidence-based Network for the Interpretation of Germline Mutant Alleles (ENIGMA)
Classification: Pathogenic for Breast-ovarian cancer, familial, susceptibility to, 2. Last evaluated: 2016-10-18. Review status: reviewed by expert panel. Criteria: ENIGMA BRCA1/2 Classification Criteria (2015). Collection method: curation. Allele origin: germline.
Comment: Variant allele predicted to encode a truncated non-functional protein.

Research Molecular Genetics Laboratory, Women's College Hospital, University of Toronto
Classification: Pathogenic for Hereditary breast ovarian cancer syndrome. Last evaluated: 2014-01-31. Review status: no assertion criteria provided. Collection method: research. Allele origin: germline. Affected: yes. Study: The Canadian Open Genetics Repository (COGR). Not counted in ClinVar's aggregate classification.

NM_000059.4(BRCA2):c.4221del (p.Glu1407fs)

Gene: BRCA2 (BRCA2 DNA repair associated; plus strand). Cytogenetic location: 13q13.1.
Variant type: Deletion.
Coding change: c.4221del on transcript NM_000059.4 (MANE Select); coding-DNA position 4221, one base deleted (A; older notation c.4221delA).
Protein change: p.Glu1407fs; shifts the reading frame from glutamic acid 1407.
Molecular consequence: frameshift variant.
Genome position (GRCh38, 1-based): chr13:32,338,576, A deleted; the last of 2 consecutive A bases (chr13:32,338,575-32,338,576); deleting either gives the same sequence. VCF-style (leftmost placement, unchanged base first): chr13-32338574-GA-G. GRCh37 (hg19) VCF-style: chr13-32912711-GA-G.
Other names: 4449delA; c.4221delA (NM_000059.3).
Identifiers: ClinVar variation 266796 (VCV000266796.3), dbSNP rs886040515, ClinGen allele CA10589246.